The following is an entry in ClinVar:

NM_015164.4(PLEKHM2):c.2713T>C (p.Cys905Arg)

Gene: PLEKHM2 (pleckstrin homology and RUN domain containing M2; plus strand). Cytogenetic location: 1p36.21.
Variant type: single nucleotide variant.
Coding change: c.2713T>C on transcript NM_015164.4 (MANE Select); coding-DNA position 2713, T replaced by C.
Protein change: p.Cys905Arg; replaces cysteine 905 with arginine.
Molecular consequence: missense variant.
Genome position (GRCh38, 1-based): chr1:15,732,437, T>C. VCF-style: chr1-15732437-T-C. GRCh37 (hg19) VCF-style: chr1-16058932-T-C.
Other names: short protein forms C905R.
Identifiers: ClinVar variation 1487510 (VCV001487510.6), dbSNP rs372585673, ClinGen allele CA617333.

ClinVar aggregate classification (germline): Uncertain significance (1 of 4 stars; one submission).

Allele frequency attached by ClinVar (database versions not stated): ExAC 0.00003; ESP Exome Variant Server 0.00008; gnomAD exomes below 0.00001; TOPMed below 0.00001; gnomAD 0.00001.
gnomAD v4.1: 2 of 1,591,056 alleles (0.00013%); highest among the groups gnomAD compares: Non-Finnish European, 0.00017%; no homozygotes.

Submission:

Labcorp Genetics (formerly Invitae), Labcorp
Classification: Uncertain significance. Last evaluated: 2023-06-23. Review status: criteria provided, single submitter. Criteria: Invitae Variant Classification Sherloc (09022015). Collection method: clinical testing. Allele origin: germline.
Comment: An algorithm developed to predict the effect of missense changes on protein structure and function (PolyPhen-2) suggests that this variant is likely to be disruptive. In summary, the available evidence is currently insufficient to determine the role of this variant in disease. Therefore, it has been classified as a Variant of Uncertain Significance. ClinVar contains an entry for this variant (Variation ID: 1487510). This variant has not been reported in the literature in individuals affected with PLEKHM2-related conditions. The frequency data for this variant in the population databases is considered unreliable, as metrics indicate poor data quality at this position in the gnomAD database. This sequence change replaces cysteine, which is neutral and slightly polar, with arginine, which is basic and polar, at codon 905 of the PLEKHM2 protein (p.Cys905Arg).